The following is an entry in ClinVar:

NM_001367561.1(DOCK7):c.1519+78dup

Gene: DOCK7 (dedicator of cytokinesis 7; minus strand). Cytogenetic location: 1p31.3.
Variant type: Duplication.
Coding change: c.1519+78dup on transcript NM_001367561.1 (MANE Select); 78 bases into the intron after coding-DNA position 1519, one base duplicated (T; older notation c.1519+78dupT).
Molecular consequence: intron variant.
Genome position (GRCh38, 1-based): chr1:62,619,813, A duplicated on the plus strand (T on the coding strand, the reverse complement: DOCK7 is on the minus strand); the first of 10 consecutive A bases (chr1:62,619,813-62,619,822); duplicating any one gives the same sequence. VCF-style (leftmost placement, unchanged base first): chr1-62619812-T-TA. GRCh37 (hg19) VCF-style: chr1-63085483-T-TA.
Other names: c.1519+78dup (NM_001272001.2, NM_001272000.2, NM_033407.4 and 3 more transcripts).
Identifiers: ClinVar variation 1245292 (VCV001245292.4), dbSNP rs34571440, ClinGen allele CA23768627.

ClinVar aggregate classification (germline): Benign. Review status: criteria provided, multiple submitters, no conflicts (2 of 4 stars). 2 submissions from 2 submitters: Benign (2). Last evaluated 2024-07-15.

Submissions (2):

Unidad de Genómica Garrahan, Hospital de Pediatría Garrahan
Classification: Benign. Last evaluated: 2024-07-15. Review status: criteria provided, single submitter. Criteria: ACMG Guidelines, 2015. Collection method: clinical testing. Allele origin: germline. Affected: no. Observed: 24 variant alleles.
Comment: This variant is classified as Benign based on local population frequency. This variant was detected in 26% of patients studied in a panel designed for Epileptic and Developmental Encephalopathy and Progressive Myoclonus Epilepsy. Number of patients: 24. Only high quality variants are reported.

GeneDx
Classification: Benign. Last evaluated: 2021-03-08. Review status: criteria provided, single submitter. Criteria: GeneDx Variant Classification Process June 2021. Collection method: clinical testing. Allele origin: germline. Affected: yes.